The following is an entry in ClinVar:

ClinVar aggregate classification (germline): Uncertain significance. Review status: criteria provided, multiple submitters, no conflicts (2 of 4 stars). 2 submissions from 2 submitters: Uncertain significance (2). Last evaluated 2025-12-17.

Conditions:
Inborn genetic diseases. Identifiers: MedGen C0950123, MeSH D030342.

gnomAD v4.1: 6 of 1,612,404 alleles (0.00037%); highest among the groups gnomAD compares: East Asian, 0.0045%; no homozygotes.

Submissions (2):

Labcorp Genetics (formerly Invitae), Labcorp
Classification: Uncertain significance. Last evaluated: 2025-12-17. Review status: criteria provided, single submitter. Criteria: Invitae Variant Classification Sherloc (09022015). Collection method: clinical testing. Allele origin: germline.
Comment: This sequence change replaces glutamic acid, which is acidic and polar, with lysine, which is basic and polar, at codon 1119 of the MYH14 protein (p.Glu1119Lys). The frequency data for this variant in the population databases is considered unreliable, as metrics indicate poor data quality at this position in the gnomAD database. This variant has not been reported in the literature in individuals affected with MYH14-related conditions. Invitae Evidence Modeling of protein sequence and biophysical properties (such as structural, functional, and spatial information, amino acid conservation, physicochemical variation, residue mobility, and thermodynamic stability) indicates that this missense variant is expected to disrupt MYH14 protein function with a positive predictive value of 80%. In summary, the available evidence is currently insufficient to determine the role of this variant in disease. Therefore, it has been classified as a Variant of Uncertain Significance.

Ambry Genetics
Classification: Uncertain significance for Inborn genetic diseases. Last evaluated: 2025-11-27. Review status: criteria provided, single submitter. Criteria: Ambry Variant Classification Scheme 2023. Collection method: clinical testing. Allele origin: germline.

NM_001145809.2(MYH14):c.3478G>A (p.Glu1160Lys)

Gene: MYH14 (myosin heavy chain 14; plus strand). Cytogenetic location: 19q13.33.
Variant type: single nucleotide variant.
Coding change: c.3478G>A on transcript NM_001145809.2 (MANE Select); coding-DNA position 3478, G replaced by A.
Protein change: p.Glu1160Lys; replaces glutamic acid 1160 with lysine.
Molecular consequence: missense variant.
Genome position (GRCh38, 1-based): chr19:50,276,001, G>A. VCF-style: chr19-50276001-G-A. GRCh37 (hg19) VCF-style: chr19-50779258-G-A.
Other names: c.3379G>A, p.Glu1127Lys (NM_001077186.2); c.3355G>A, p.Glu1119Lys (NM_024729.4); short protein forms E1119K, E1127K, E1160K.
Identifiers: ClinVar variation 4625421 (VCV004625421.2).